The following is an entry in ClinVar:

NM_001034853.2(RPGR):c.619+2T>G

Gene: RPGR (retinitis pigmentosa GTPase regulator; minus strand). Cytogenetic location: Xp11.4.
Variant type: single nucleotide variant.
Coding change: c.619+2T>G on transcript NM_001034853.2 (MANE Select); the canonical splice donor site of the intron after coding-DNA position 619, T replaced by G.
Molecular consequence: splice donor variant.
Genome position (GRCh38, 1-based): chrX:38,317,314, A>C on the plus strand (T>G on the coding strand, the complement: RPGR is on the minus strand). VCF-style: chrX-38317314-A-C. GRCh37 (hg19) VCF-style: chrX-38176567-A-C.
Other names: c.616+2T>G (NM_001367249.1); c.619+2T>G (NM_001367250.1, NM_001367245.1, NM_001367251.1 and 3 more transcripts); c.649+2T>G (NM_001367248.1).
Identifiers: ClinVar variation 4887019 (VCV004887019.1).

ClinVar aggregate classification (germline): Pathogenic (1 of 4 stars; one submission).

Conditions:
Retinitis pigmentosa 3. Also called: CHOROIDORETINAL DEGENERATION WITH RETINAL REFLEX IN HETEROZYGOUS WOMEN. Identifiers: Orphanet 791, MedGen C1845667, MONDO:0010227, OMIM 300029.

Submission:

MVZ Medizinische Genetik Mainz
Classification: Pathogenic for Retinitis pigmentosa 3. Last evaluated: 2026-08-13. Review status: criteria provided, single submitter. Criteria: UK Practice Guidelines For Variant Classification V4 01 2020. Collection method: clinical testing. Allele origin: germline. Inheritance: X-linked dominant inheritance. Affected: yes. Observed: 1 variant allele.
Comment: ACMG Criteria: PVS1,PS1_SUP,PM2_SUP